The following is an entry in ClinVar:

ClinVar aggregate classification (germline): Likely benign. Review status: criteria provided, single submitter (1 of 4 stars). 2 submissions from 2 submitters: Likely benign (1). 1 of the submissions does not count toward it. Last evaluated 2022-03-29.

Conditions:
Dyskeratosis congenita. Identifiers: Orphanet 1775, MedGen C0265965, MONDO:0015780.
TERT-related disorder. Also called: TERT-related condition; TERT-related disorders.

Allele frequency attached by ClinVar (database versions not stated): gnomAD exomes below 0.00001.
gnomAD v4.1: 1 of 1,588,100 alleles (0.000063%); highest among the groups gnomAD compares: Non-Finnish European, 0.000085%; no homozygotes.

Submissions (2):

Ambry Genetics
Classification: Likely benign for Dyskeratosis congenita. Last evaluated: 2022-03-29. Review status: criteria provided, single submitter. Criteria: Ambry Variant Classification Scheme 2023. Collection method: clinical testing. Allele origin: germline.

PreventionGenetics, part of Exact Sciences
Classification: Likely benign for TERT-related condition. Last evaluated: 2024-08-23. Review status: no assertion criteria provided. Collection method: clinical testing. Allele origin: germline. Not counted in ClinVar's aggregate classification.
Comment: This variant is classified as likely benign based on ACMG/AMP sequence variant interpretation guidelines (Richards et al. 2015 PMID: 25741868, with internal and published modifications).

NM_198253.3(TERT):c.654C>T (p.Ala218=)

Gene: TERT (telomerase reverse transcriptase; minus strand). Cytogenetic location: 5p15.33.
Variant type: single nucleotide variant.
Coding change: c.654C>T on transcript NM_198253.3 (MANE Select); coding-DNA position 654, C replaced by T.
Protein change: p.Ala218=; no amino-acid change (alanine 218 retained).
Molecular consequence: synonymous variant. On other transcripts: non-coding transcript variant (2).
Genome position (GRCh38, 1-based): chr5:1,294,232, G>A on the plus strand (C>T on the coding strand, the complement: TERT is on the minus strand). VCF-style: chr5-1294232-G-A. GRCh37 (hg19) VCF-style: chr5-1294347-G-A.
Other names: c.654C>T, p.Ala218= (NM_001193376.3, NM_003219.1).
Identifiers: ClinVar variation 1754144 (VCV001754144.3), dbSNP rs2478422607, ClinGen allele CA443239991.